The following is an entry in ClinVar:

ClinVar aggregate classification (germline): Uncertain significance (1 of 4 stars; one submission).

Conditions:
Hermansky-Pudlak syndrome 3 (HPS3). Identifiers: Orphanet 231512, Orphanet 79430, MedGen C3888001, MONDO:0013555, OMIM 614072.

Submission:

3billion
Classification: Uncertain significance for Hermansky-Pudlak syndrome 3. Last evaluated: 2025-11-07. Review status: criteria provided, single submitter. Criteria: ACMG Guidelines, 2015. Collection method: clinical testing. Allele origin: germline. Affected: yes.
Comment: The variant is not observed in the gnomAD v4.1.0 dataset. Predicted Consequence/Location: Missense variant. The majority of the known disease-causing variants of this gene are variants expected to result in premature termination of the protein. In silico tool predictions suggest no damaging effect of the variant on gene or gene product [REVEL: 0.20 (<0.4); 3Cnet: 0.00 (<0.1, specificity 0.84 and negative predicitive value 0.97)]. Therefore, this variant is classified as VUS according to the recommendation of ACMG/AMP guideline.

NM_032383.5(HPS3):c.2719T>C (p.Cys907Arg)

Genes: CP (ceruloplasmin; minus strand), HPS3 (HPS3 biogenesis of lysosomal organelles complex 2 subunit 1; plus strand). Cytogenetic location: 3q24.
Variant type: single nucleotide variant.
Coding change: c.2719T>C on transcript NM_032383.5 (MANE Select); coding-DNA position 2719, T replaced by C.
Protein change: p.Cys907Arg; replaces cysteine 907 with arginine.
Molecular consequence: missense variant.
Genome position (GRCh38, 1-based): chr3:149,167,163, T>C. VCF-style: chr3-149167163-T-C. GRCh37 (hg19) VCF-style: chr3-148884950-T-C.
Other names: c.2224T>C, p.Cys742Arg (NM_001308258.2); short protein forms C742R, C907R.
Identifiers: ClinVar variation 4854489 (VCV004854489.1).